The following is an entry in ClinVar:

NM_001374353.1(GLI2):c.1691T>G (p.Leu564Arg)

Gene: GLI2 (GLI family zinc finger 2; plus strand). Cytogenetic location: 2q14.2.
Variant type: single nucleotide variant.
Coding change: c.1691T>G on transcript NM_001374353.1 (MANE Select); coding-DNA position 1691, T replaced by G.
Protein change: p.Leu564Arg; replaces leucine 564 with arginine.
Molecular consequence: missense variant.
Genome position (GRCh38, 1-based): chr2:120,984,529, T>G. VCF-style: chr2-120984529-T-G. GRCh37 (hg19) VCF-style: chr2-121742105-T-G.
Other names: c.1742T>G, p.Leu581Arg (NM_001371271.1, NM_005270.5); c.1316T>G, p.Leu439Arg (NM_001374354.1); short protein forms L564R, L439R, L581R.
Identifiers: ClinVar variation 1435171 (VCV001435171.8), dbSNP rs2105070545, ClinGen allele CA348162746.

ClinVar aggregate classification (germline): Uncertain significance (1 of 4 stars; one submission).

Conditions:
Holoprosencephaly 9 (HPE9). Also called: HOLOPROSENCEPHALY WITH MICROPHTHALMIA AND FIRST BRANCHIAL ARCH ANOMALIES; PITUITARY ANOMALIES WITH HOLOPROSENCEPHALY-LIKE FEATURES. Identifiers: Orphanet 2162, MedGen C1835819, MONDO:0012563, OMIM 610829.
Postaxial polydactyly-anterior pituitary anomalies-facial dysmorphism syndrome. Also called: Culler-Jones syndrome. Identifiers: Orphanet 420584, MedGen C4014479, MONDO:0014369, OMIM 615849.

Submission:

Labcorp Genetics (formerly Invitae), Labcorp
Classification: Uncertain significance for Postaxial polydactyly-anterior pituitary anomalies-facial dysmorphism syndrome; Holoprosencephaly 9. Last evaluated: 2021-02-16. Review status: criteria provided, single submitter. Criteria: Invitae Variant Classification Sherloc (09022015). Collection method: clinical testing. Allele origin: germline.
Comment: In summary, the available evidence is currently insufficient to determine the role of this variant in disease. Therefore, it has been classified as a Variant of Uncertain Significance. Algorithms developed to predict the effect of missense changes on protein structure and function (SIFT, PolyPhen-2, Align-GVGD) all suggest that this variant is likely to be disruptive, but these predictions have not been confirmed by published functional studies and their clinical significance is uncertain. This variant has not been reported in the literature in individuals with GLI2-related conditions. This variant is not present in population databases (ExAC no frequency). This sequence change replaces leucine with arginine at codon 581 of the GLI2 protein (p.Leu581Arg). The leucine residue is highly conserved and there is a moderate physicochemical difference between leucine and arginine.